The following is an entry in ClinVar:

NM_001365693.1(MGAM):c.4686C>T (p.Asp1562=)

Gene: MGAM (maltase-glucoamylase; plus strand). Cytogenetic location: 7q34.
Variant type: single nucleotide variant.
Coding change: c.4686C>T on transcript NM_001365693.1 (MANE Select); coding-DNA position 4686, C replaced by T.
Protein change: p.Asp1562=; no amino-acid change (aspartic acid 1562 retained).
Molecular consequence: synonymous variant. On other transcripts: intron variant (1).
Genome position (GRCh38, 1-based): chr7:142,065,747, C>T. VCF-style: chr7-142065747-C-T. GRCh37 (hg19) VCF-style: chr7-141765547-C-T.
Other names: c.4618+279C>T (NM_004668.3).
Identifiers: ClinVar variation 3042546 (VCV003042546.2), dbSNP rs111783056, ClinGen allele CA168122799.

ClinVar aggregate classification (germline): Likely benign (0 of 4 stars; one submission).

Conditions:
MGAM-related disorder. Also called: MGAM-related condition.

Allele frequency attached by ClinVar (database versions not stated): ExAC 0.00009; 1000 Genomes Project 0.02955.

Submission:

PreventionGenetics, part of Exact Sciences
Classification: Likely benign for MGAM-related condition. Last evaluated: 2022-06-06. Review status: no assertion criteria provided. Collection method: clinical testing. Allele origin: germline.
Comment: This variant is classified as likely benign based on ACMG/AMP sequence variant interpretation guidelines (Richards et al. 2015 PMID: 25741868, with internal and published modifications).